The following is an entry in ClinVar:

ClinVar aggregate classification (germline): Pathogenic. Review status: reviewed by expert panel (3 of 4 stars). 18 submissions from 18 submitters: Pathogenic (1). 17 of the submissions do not count toward it. Last evaluated 2016-09-08.

Conditions:
Hereditary cancer-predisposing syndrome. Also called: Hereditary Cancer Syndrome; Tumor predisposition; Neoplastic Syndromes, Hereditary; Hereditary neoplastic syndrome. Identifiers: Orphanet 140162, MedGen C0027672, MeSH D009386, MONDO:0015356.
Breast and/or ovarian cancer. Identifiers: MedGen CN221562.
Hereditary breast ovarian cancer syndrome. Also called: Breast and ovarian cancer; BRCA1- and BRCA2-Associated Hereditary Breast and Ovarian Cancer; Hereditary breast and ovarian cancer; Hereditary breast and ovarian cancer syndrome (HBOC); Hereditary breast and ovarian cancer syndrome; Hereditary breast and/or ovarian cancer syndrome. Identifiers: Orphanet 145, MedGen C0677776, MeSH D061325, MONDO:0003582. Disease mechanism: loss of function.
Ovarian neoplasm. Also called: Ovarian tumor; Ovarian Neoplasms; Neoplasm of ovary. Identifiers: MedGen C0919267, MeSH D010051, MONDO:0021068, HP:0100615.
Breast-ovarian cancer, familial, susceptibility to, 2 (BROVCA2). Also called: BRCA2 Hereditary Breast and Ovarian Cancer. Identifiers: Orphanet 145, MedGen C2675520, MONDO:0012933, OMIM 612555. Disease mechanism: loss of function.
Familial cancer of breast. Also called: BREAST CANCER, FAMILIAL; hereditary breast carcinoma; Hereditary breast cancer. Identifiers: Orphanet 227535, MedGen C0346153, MONDO:0016419, OMIM 114480. Disease mechanism: loss of function.
Malignant tumor of breast. Also called: Malignant breast neoplasm; Cancer breast. Identifiers: MedGen C0006142, MONDO:0007254. Disease mechanism: loss of function.

Allele frequency attached by ClinVar (database versions not stated): gnomAD exomes below 0.00001; ExAC 0.00001.

Submissions 1 to 10 of 18:

Evidence-based Network for the Interpretation of Germline Mutant Alleles (ENIGMA)
Classification: Pathogenic for Breast-ovarian cancer, familial, susceptibility to, 2. Last evaluated: 2016-09-08. Review status: reviewed by expert panel. Criteria: ENIGMA BRCA1/2 Classification Criteria (2015). Collection method: curation. Allele origin: germline.
Comment: Variant allele predicted to encode a truncated non-functional protein.

GeneDx
Classification: Pathogenic. Last evaluated: 2026-07-05. Review status: criteria provided, single submitter. Criteria: GeneDx Variant Classification Process June 2021. Collection method: clinical testing. Allele origin: germline. Not counted in ClinVar's aggregate classification.
Comment: Frameshift variant predicted to result in protein truncation in a gene for which loss of function is a known mechanism of disease; Not observed at significant frequency in large population cohorts (gnomAD); Truncating variants in this gene are considered pathogenic by a well-established clinical consortium and/or database; Also known as 9894del; This variant is associated with the following publications: (PMID: 11179017, 29446198, 21913181, 11897832, 11802209, 17148771, 21324516, 18593900, 18607349, 30720243, 28888541, 29922827, 17026620, 26295337, 36623239, 32885271, 31567591, 22711857, 29053726)

CeGaT Center for Human Genetics Tuebingen
Classification: Pathogenic. Last evaluated: 2026-07-01. Review status: criteria provided, single submitter. Criteria: CeGaT Center For Human Genetics Tuebingen Variant Classification Criteria Version 2. Collection method: clinical testing. Allele origin: germline. Affected: yes. Observed: 1 variant allele. Not counted in ClinVar's aggregate classification.
Comment: BRCA2: PS4, PVS1:Strong, PM2

Labcorp Genetics (formerly Invitae), Labcorp
Classification: Pathogenic for Hereditary breast ovarian cancer syndrome. Last evaluated: 2026-01-26. Review status: criteria provided, single submitter. Criteria: Invitae Variant Classification Sherloc (09022015). Collection method: clinical testing. Allele origin: germline. Not counted in ClinVar's aggregate classification.
Comment: This sequence change creates a premature translational stop signal (p.Cys3222Trpfs*27) in the BRCA2 gene. While this is not anticipated to result in nonsense mediated decay, it is expected to disrupt the last 197 amino acid(s) of the BRCA2 protein. This variant is present in population databases (rs80359772, gnomAD 0.0009%). This variant has not been reported in the literature in individuals affected with BRCA2-related conditions. This variant is also known as 9894delT. ClinVar contains an entry for this variant (Variation ID: 52888). This variant disrupts a region of the BRCA2 protein in which other variant(s) (p.Tyr3308*) have been determined to be pathogenic (PMID: 17026620, 18593900, 18607349, 22711857). This suggests that this is a clinically significant region of the protein, and that variants that disrupt it are likely to be disease-causing. For these reasons, this variant has been classified as Pathogenic.

Mayo Clinic Laboratories, Mayo Clinic
Classification: Pathogenic. Last evaluated: 2025-02-07. Review status: criteria provided, single submitter. Criteria: ACMG Guidelines, 2015. Collection method: clinical testing. Allele origin: germline. Observed: 1 variant allele. Not counted in ClinVar's aggregate classification.
Comment: PM5_strong, PVS1

Baylor Genetics
Classification: Pathogenic for Familial cancer of breast. Last evaluated: 2023-12-11. Review status: criteria provided, single submitter. Criteria: ACMG Guidelines, 2015. Collection method: clinical testing. Allele origin: unknown. Not counted in ClinVar's aggregate classification.

Color Diagnostics, LLC DBA Color Health
Classification: Pathogenic for Hereditary cancer-predisposing syndrome. Last evaluated: 2023-11-20. Review status: criteria provided, single submitter. Criteria: ACMG Guidelines, 2015. Collection method: clinical testing. Allele origin: germline. Not counted in ClinVar's aggregate classification.
Comment: This variant deletes 1 nucleotide in exon 27 of the BRCA2 gene creating a frameshift and premature translation stop signal in the last exon. Although this variant is not predicted to trigger nonsense-mediated decay, it causes the loss of the RAD51 binding domain (PMID: 9126738, 9192668) and the nuclear localization signals (PMID: 10570174) and is expected to result in a non-functional protein product. This variant has been reported in individuals affected with breast and ovarian cancer (PMID: 11179017, 11897832, 17148771, 21324516, 21913181, 29053726, 32885271). This variant has been identified in 1/248958 chromosomes in the general population by the Genome Aggregation Database (gnomAD). Loss of BRCA2 function is a known mechanism of disease. Based on the available evidence, this variant is classified as Pathogenic.

All of Us Research Program, National Institutes of Health
Classification: Pathogenic for Breast-ovarian cancer, familial, susceptibility to, 2. Last evaluated: 2023-11-14. Review status: criteria provided, single submitter. Criteria: ACMG Guidelines, 2015. Collection method: clinical testing. Allele origin: germline. Inheritance: Autosomal dominant inheritance. Observed: 1 variant allele, 1 heterozygote. Not counted in ClinVar's aggregate classification.
Comment: The c.9666del (p.Cys3222Trpfs*27) variant in the BRCA2 gene is located on the exon 27 and is predicted to shift of reading frame that introduces a premature translation termination codon (p.Cys3222Trpfs*27), resulting in an absent or disrupted protein product. The variant has been reported in multiple individuals with breast/ovarian/prostate cancer (PMID: 31567591, 36623239, 29446198). Loss-of-function variants of BRCA2 are known to be pathogenic (PMID: 8988179, 11897832, 29446198). The variant is reported in ClinVar as pathogenic (ID: 52888) and reviewed by the expert panel. The variant is rare in general population according to gnomAD (1/248958). Therefore, the c.9666del (p.Cys3222Trpfs*27) variant of BRCA2 has been classified as pathogenic.

This study involves interpretation of variants in research participants for the purpose of population health screening. Participant phenotype was not available at the time of variant classification. Additional details can be found in publication PMID: 35346344, PMCID: PMC8962531

Ambry Genetics
Classification: Pathogenic for Hereditary cancer-predisposing syndrome. Last evaluated: 2023-04-21. Review status: criteria provided, single submitter. Criteria: Ambry Variant Classification Scheme 2023. Collection method: clinical testing. Allele origin: germline. Not counted in ClinVar's aggregate classification.
Comment: The c.9666delT pathogenic mutation, located in coding exon 26 of the BRCA2 gene, results from a deletion of one nucleotide at nucleotide position 9666, causing a translational frameshift with a predicted alternate stop codon (p.C3222Wfs*27). This alteration occurs at the 3' terminus of theBRCA2 gene, is not expected to trigger nonsense-mediated mRNA decay, and impacts the last 197 amino acids of the protein. However, premature stop codons are typically deleterious in nature and the impacted region is critical for protein function (Ambry internal data). This mutation has been identified in multiple breast and/or ovarian cancer families to date (Litton, JK et al. Cancer. 2012 Jan 15;118(2):321-5; Hamann, U et al. J Med Genet. 2002 Mar;39(3):E12; Risch, HA et al. Am J Hum Genet. 2001 Mar;68(3):700-10). Based on the supporting evidence, this alteration is interpreted as a disease-causing mutation.

CHEO Genetics Diagnostic Laboratory, Children's Hospital of Eastern Ontario
Classification: Pathogenic for Breast and/or ovarian cancer. Last evaluated: 2022-05-17. Review status: criteria provided, single submitter. Criteria: ACMG Guidelines, 2015. Collection method: clinical testing. Allele origin: germline. Not counted in ClinVar's aggregate classification.

NM_000059.4(BRCA2):c.9666del (p.Cys3222fs)

Gene: BRCA2 (BRCA2 DNA repair associated; plus strand). Cytogenetic location: 13q13.1.
Variant type: Deletion.
Coding change: c.9666del on transcript NM_000059.4 (MANE Select); coding-DNA position 9666, one base deleted (T; older notation c.9666delT).
Protein change: p.Cys3222fs; shifts the reading frame from cysteine 3222.
Molecular consequence: frameshift variant.
Genome position (GRCh38, 1-based): chr13:32,398,179, T deleted. VCF-style (leftmost placement, unchanged base first): chr13-32398178-GT-G. GRCh37 (hg19) VCF-style: chr13-32972315-GT-G.
Other names: 9894delT; c.9666delT (NM_000059.3).
Identifiers: ClinVar variation 52888 (VCV000052888.40), dbSNP rs80359772, ClinGen allele CA026261.
Genomic context (GRCh38, chr13:32,398,178, plus strand): 5'-TTACTACATAATTATGATAGGCTACGTTTTCATTTTTTTATCAGATGTCTTCTCCTAATT[GT>G]GAGATATATTATCAAAGTCCTTTATCACTTTGTATGGCCAAAAGGAAGTCTGTTTCCACA-3'